The following is an entry in ClinVar:

NM_005751.5(AKAP9):c.9665G>T (p.Trp3222Leu)

Gene: AKAP9 (A-kinase anchoring protein 9; plus strand). Cytogenetic location: 7q21.2.
Variant type: single nucleotide variant.
Coding change: c.9665G>T on transcript NM_005751.5 (MANE Select); coding-DNA position 9665, G replaced by T.
Protein change: p.Trp3222Leu; replaces tryptophan 3222 with leucine.
Molecular consequence: missense variant.
Genome position (GRCh38, 1-based): chr7:92,095,109, G>T. VCF-style: chr7-92095109-G-T. GRCh37 (hg19) VCF-style: chr7-91724423-G-T.
Other names: c.4310G>T, p.Trp1437Leu (NM_001379277.1); c.9641G>T, p.Trp3214Leu (NM_147185.3); short protein forms W1437L, W3214L, W3222L.
Identifiers: ClinVar variation 3624974 (VCV003624974.4).

ClinVar aggregate classification (germline): Uncertain significance. Review status: criteria provided, multiple submitters, no conflicts (2 of 4 stars). 3 submissions from 3 submitters: Uncertain significance (3). Last evaluated 2025-06-23.

Conditions:
Cardiovascular phenotype. Identifiers: MedGen CN230736.
Long QT syndrome (LQTS). Identifiers: MedGen C0023976, MeSH D008133, MONDO:0002442. Disease mechanism: loss of function. Inheritance: Various modes of inheritance.

gnomAD v4.1: 52 of 1,613,990 alleles (0.0032%); highest among the groups gnomAD compares: Non-Finnish European, 0.0043%; no homozygotes.

Submissions (3):

Women's Health and Genetics/Laboratory Corporation of America, LabCorp
Classification: Uncertain significance. Last evaluated: 2025-06-23. Review status: criteria provided, single submitter. Criteria: LabCorp Variant Classification Summary - May 2015. Collection method: clinical testing. Allele origin: germline.

Ambry Genetics
Classification: Uncertain significance for Cardiovascular phenotype. Last evaluated: 2025-04-04. Review status: criteria provided, single submitter. Criteria: Ambry Variant Classification Scheme 2023. Collection method: clinical testing. Allele origin: germline.
Comment: The p.W3222L variant (also known as c.9665G>T), located in coding exon 40 of the AKAP9 gene, results from a G to T substitution at nucleotide position 9665. The tryptophan at codon 3222 is replaced by leucine, an amino acid with similar properties. This amino acid position is highly conserved in available vertebrate species. In addition, this alteration is predicted to be tolerated by in silico analysis. The evidence for this gene-disease relationship is limited; therefore, the clinical significance of this alteration is unclear.

Labcorp Genetics (formerly Invitae), Labcorp
Classification: Uncertain significance for Long QT syndrome. Last evaluated: 2025-01-14. Review status: criteria provided, single submitter. Criteria: Invitae Variant Classification Sherloc (09022015). Collection method: clinical testing. Allele origin: germline.
Comment: This sequence change replaces tryptophan, which is neutral and slightly polar, with leucine, which is neutral and non-polar, at codon 3222 of the AKAP9 protein (p.Trp3222Leu). This variant is present in population databases (rs374308878, gnomAD 0.003%). This variant has not been reported in the literature in individuals affected with AKAP9-related conditions. An algorithm developed to predict the effect of missense changes on protein structure and function (PolyPhen-2) suggests that this variant is likely to be disruptive. In summary, the available evidence is currently insufficient to determine the role of this variant in disease. Therefore, it has been classified as a Variant of Uncertain Significance.